The following is an entry in ClinVar:

ClinVar aggregate classification (germline): Likely benign. Review status: criteria provided, multiple submitters, no conflicts (2 of 4 stars). 2 submissions from 2 submitters: Likely benign (2). Last evaluated 2024-10-04.

Allele frequency attached by ClinVar (database versions not stated): TOPMed 0.00051; 1000 Genomes Project 30x 0.00078; 1000 Genomes Project 0.00080; ESP Exome Variant Server 0.00085; gnomAD exomes 0.00087; gnomAD 0.00089; ExAC 0.00104.
gnomAD v4.1: 1,377 of 1,612,622 alleles (0.085%); highest among the groups gnomAD compares: Non-Finnish European, 0.1%; 1 homozygote.

Submissions (2):

Ambry Genetics
Classification: Likely benign. Last evaluated: 2024-10-04. Review status: criteria provided, single submitter. Criteria: Ambry Variant Classification Scheme 2023. Collection method: clinical testing. Allele origin: germline.

CeGaT Center for Human Genetics Tuebingen
Classification: Likely benign. Last evaluated: 2022-05-01. Review status: criteria provided, single submitter. Criteria: CeGaT Center For Human Genetics Tuebingen Variant Classification Criteria Version 2. Collection method: clinical testing. Allele origin: germline. Affected: yes. Observed: 1 variant allele.
Comment: WNK2: BP4, BP7

NM_006648.4(WNK2):c.3924C>T (p.Thr1308=)

Gene: WNK2 (WNK lysine deficient protein kinase 2; plus strand). Cytogenetic location: 9q22.31.
Variant type: single nucleotide variant.
Coding change: c.3924C>T on transcript NM_006648.4 (MANE Select); coding-DNA position 3924, C replaced by T.
Protein change: p.Thr1308=; no amino-acid change (threonine 1308 retained).
Molecular consequence: synonymous variant.
Genome position (GRCh38, 1-based): chr9:93,268,637, C>T. VCF-style: chr9-93268637-C-T. GRCh37 (hg19) VCF-style: chr9-96030919-C-T.
Other names: c.3924C>T, p.Thr1308= (NM_001282394.3); c.3924C>T (NM_006648.3).
Identifiers: ClinVar variation 2659310 (VCV002659310.25), dbSNP rs56072286, ClinGen allele CA5130145.